The following is an entry in ClinVar:

NM_004415.4(DSP):c.6273del (p.Ala2092fs)

Gene: DSP (desmoplakin; plus strand). Cytogenetic location: 6p24.3.
Variant type: Deletion.
Coding change: c.6273del on transcript NM_004415.4 (MANE Select); coding-DNA position 6273, one base deleted (A; older notation c.6273delA).
Protein change: p.Ala2092fs; shifts the reading frame from alanine 2092.
Molecular consequence: frameshift variant.
Genome position (GRCh38, 1-based): chr6:7,583,535, A deleted; the last of 5 consecutive A bases (chr6:7,583,531-7,583,535); deleting any one gives the same sequence. VCF-style (leftmost placement, unchanged base first): chr6-7583530-GA-G. GRCh37 (hg19) VCF-style: chr6-7583763-GA-G.
Other names: c.4476del, p.Ala1493fs (NM_001008844.3); c.4944del, p.Ala1649fs (NM_001319034.2); c.6273delA (NM_004415.2); c.6273del (LRG_423t1); short protein forms A1493fs, A1649fs, A2092fs.
Identifiers: ClinVar variation 199925 (VCV000199925.21), dbSNP rs794728146, ClinGen allele CA006802.

ClinVar aggregate classification (germline): Pathogenic/Likely pathogenic. Review status: criteria provided, multiple submitters, no conflicts (2 of 4 stars). 6 submissions from 6 submitters: Pathogenic (3); Likely pathogenic (2). 1 of the submissions does not count toward it. Last evaluated 2025-04-17.

Conditions:
Cardiovascular phenotype. Identifiers: MedGen CN230736.
Cardiac arrhythmia. Also called: Cardiac rhythm disease; Arrhythmia. Identifiers: MedGen C0003811, MONDO:0007263, HP:0011675.
Arrhythmogenic cardiomyopathy with wooly hair and keratoderma. Also called: Dilated cardiomyopathy with woolly hair and keratoderma; Arrhythmogenic cardiomyopathy with woolly hair and keratoderma; PALMOPLANTAR KERATODERMA WITH LEFT VENTRICULAR CARDIOMYOPATHY AND WOOLLY HAIR; Carvajal syndrome. Identifiers: Orphanet 65282, MedGen C1854063, MONDO:0011581, OMIM 605676.
Arrhythmogenic right ventricular dysplasia 8 (ARVD8). Also called: Arrhythmogenic Right Ventricular Dysplasia/Cardiomyopathy 8; ARRHYTHMOGENIC RIGHT VENTRICULAR DYSPLASIA, FAMILIAL, 8; ARRHYTHMOGENIC RIGHT VENTRICULAR CARDIOMYOPATHY 8. Identifiers: MedGen C1843896, MONDO:0011831, OMIM 607450.
Arrhythmogenic right ventricular cardiomyopathy (ARVD). Also called: Arrhythmogenic cardiomyopathy; Arrhythmogenic Right Ventricular Cardiomyopathy (ARVC); Cardiomyopathy, ARVC; Arrhythmogenic right ventricular dysplasia. Identifiers: Orphanet 247, MedGen C0349788, MeSH D019571, MONDO:0016587. Disease mechanism: loss of function. Inheritance: Various modes of inheritance.

Submissions (6):

Ambry Genetics
Classification: Pathogenic for Cardiovascular phenotype. Last evaluated: 2025-04-17. Review status: criteria provided, single submitter. Criteria: Ambry Variant Classification Scheme 2023. Collection method: clinical testing. Allele origin: germline.
Comment: The c.6273delA pathogenic mutation, located in coding exon 24 of the DSP gene, results from a deletion of one nucleotide at nucleotide position 6273, causing a translational frameshift with a predicted alternate stop codon (p.A2092Lfs*24). This alteration occurs at the 3' terminus of theDSP gene, is not expected to trigger nonsense-mediated mRNA decay, and only impacts the last 28% of the protein. However, premature stop codons are typically deleterious in nature and the impacted region is critical for protein function (Ambry internal data). Alterations in DSP that result in haploinsufficiency or protein truncation have been reported in patients with arrhythmogenic right ventricular cardiomyopathy (ARVC) and dilated cardiomyopathy (DCM) (Fressart V et al. Europace. 2010;12(6):861-8; Elliott P et al. Circ Cardiovasc Genet. 2010;3(4):314-22; Quarta G et al. Circulation. 2011;123(23):2701-9; Garcia-Pavia P et al. Heart. 2011;97(21):1744-52; Rasmussen TB et al. Clin Genet. 2013;84(1):20-30; Pugh TJ et al. Genet Med. 2014;16(8):601-8). This variant has been reported in association with arrhythmogenic right ventricular cardiomyopathy (ARVC) (Gasperetti A et al. JACC Adv, 2024 Mar;3:100832). This variant is considered to be rare based on population cohorts in the Genome Aggregation Database (gnomAD). Based on the supporting evidence, this alteration is interpreted as a disease-causing mutation.

Labcorp Genetics (formerly Invitae), Labcorp
Classification: Pathogenic for Arrhythmogenic cardiomyopathy with wooly hair and keratoderma; Arrhythmogenic right ventricular dysplasia 8. Last evaluated: 2024-05-08. Review status: criteria provided, single submitter. Criteria: Invitae Variant Classification Sherloc (09022015). Collection method: clinical testing. Allele origin: germline.
Comment: This sequence change creates a premature translational stop signal (p.Ala2092Leufs*24) in the DSP gene. While this is not anticipated to result in nonsense mediated decay, it is expected to disrupt the last 780 amino acid(s) of the DSP protein. This variant is not present in population databases (gnomAD no frequency). This variant has not been reported in the literature in individuals affected with DSP-related conditions. ClinVar contains an entry for this variant (Variation ID: 199925). This variant disrupts a region of the DSP protein in which other variant(s) (p.Glu2728Glyfs*11) have been determined to be pathogenic (Invitae). This suggests that this is a clinically significant region of the protein, and that variants that disrupt it are likely to be disease-causing. For these reasons, this variant has been classified as Pathogenic.

Women's Health and Genetics/Laboratory Corporation of America, LabCorp
Classification: Likely pathogenic for Arrhythmia. Last evaluated: 2020-12-07. Review status: criteria provided, single submitter. Criteria: LabCorp Variant Classification Summary - May 2015. Collection method: clinical testing. Allele origin: germline.
Comment: Variant summary: DSP c.6273delA (p.Ala2092LeufsX24) results in a premature termination codon, predicted to cause a truncation of the encoded protein or absence of the protein due to nonsense mediated decay, which are commonly known mechanisms for disease. The variant was absent in 251392 control chromosomes. To our knowledge, no occurrence of c.6273delA in individuals affected with Arrhythmia and no experimental evidence demonstrating its impact on protein function have been reported in the literature, however the variant has been reported in individuals referred for cardiomyopathy genetic testing by other laboratories in ClinVar. Two other clinical diagnostic laboratories have submitted clinical-significance assessments for this variant to ClinVar (evaluation after 2014); both cited the variant as likely pathogenic. Based on the evidence outlined above, the variant was classified as likely pathogenic.

Laboratory for Molecular Medicine, Mass General Brigham Personalized Medicine
Classification: Likely pathogenic for Arrhythmogenic right ventricular cardiomyopathy. Last evaluated: 2020-02-10. Review status: criteria provided, single submitter. Criteria: LMM Criteria. Collection method: clinical testing. Allele origin: germline. Inheritance: Autosomal dominant inheritance. Observed: 1 variant allele.
Comment: The p.Ala2092LeufsX24 variant in DSP has not been previously reported in individuals with arrhythmogenic right ventricular cardiomyopathy (ARVC) or Carvajal syndrome but has been reported by other clinical laboratories in ClinVar (Variation ID #545955). It was absent from large population studies. This variant is predicted to cause a frameshift, which alters the proteinâ€™s amino acid sequence beginning at position 2029 and leads to a premature termination codon 24 amino acids downstream. This termination codon occurs within the last exon and is, therefore, likely to escape nonsense mediated decay (NMD) and result in a truncated protein that is missing ~25% of the coding region, with 756 amino acids removed. Additional truncating variants downstream of this variant have been reported in individuals with ARVC/ Carvajal syndrome. In summary, although additional studies are required to fully establish its clinical significance, this variant meets criteria to be classified as likely pathogenic for autosomal dominant ARVC and autosomal recessive Carvajal syndrome. ACMG/AMP Criteria applied: PVS1_Strong, PM2.

GeneDx
Classification: Pathogenic. Last evaluated: 2019-10-10. Review status: criteria provided, single submitter. Criteria: GeneDx Variant Classification Process June 2021. Collection method: clinical testing. Allele origin: germline. Affected: yes.
Comment: Has not been previously published as pathogenic or benign to our knowledge; Frameshift variant predicted to result in protein truncation in a gene for which loss-of-function is a known mechanism of disease; Not observed in large population cohorts (Lek et al., 2016)

Genomics England Pilot Project, Genomics England
Classification: Likely pathogenic for Arrhythmogenic right ventricular dysplasia 8. Review status: no assertion criteria provided. Criteria: ACGS Guidelines, 2016. Collection method: clinical testing. Allele origin: germline. Affected: yes. Not counted in ClinVar's aggregate classification.

Literature cited by the submitters: PubMed 38938828 (cited by Ambry Genetics).